The following is an entry in ClinVar:

ClinVar aggregate classification (germline): Likely pathogenic (1 of 4 stars; one submission).

Conditions:
DDX41-related hematologic malignancy predisposition syndrome. Also called: Myeloproliferative/lymphoproliferative neoplasms, familial (multiple types), susceptibility to; DDX41-Associated Familial Myelodysplastic Syndrome and Acute Myeloid Leukemia. Identifiers: Orphanet 488647, MedGen C4225174, MONDO:0014809, OMIM 616871.

Submission:

Institute for Genomic Medicine (IGM) Clinical Laboratory, Nationwide Children's Hospital
Classification: Likely pathogenic for DDX41-related hematologic malignancy predisposition syndrome. Last evaluated: 2024-04-26. Review status: criteria provided, single submitter. Criteria: ACMG Guidelines, 2015. Collection method: clinical testing. Allele origin: germline.
Comment: This variant is predicted to result in loss of function through nonsense-mediated decay of the encoded transcript or premature truncation of the encoded protein in a gene in which loss of function is a known mechanism of disease (ACMG/AMP: PVS1; PMIDs:25920683, 26712909). This variant is absent from or present at an exceedingly low frequency in gnomAD, a large-scale control population database (ACMG/AMP: PM2).

Literature cited by the submitters: PubMed 25920683; PubMed 26712909.

NM_016222.4(DDX41):c.771del (p.Tyr259fs)

Gene: DDX41 (DEAD-box helicase 41; minus strand). Cytogenetic location: 5q35.3.
Variant type: Deletion.
Coding change: c.771del on transcript NM_016222.4 (MANE Select); coding-DNA position 771, one base deleted (G; older notation c.771delG).
Protein change: p.Tyr259fs; shifts the reading frame from tyrosine 259.
Molecular consequence: frameshift variant.
Genome position (GRCh38, 1-based): chr5:177,514,943, C deleted on the plus strand (G on the coding strand, the reverse complement: DDX41 is on the minus strand); the first of 4 consecutive C bases (chr5:177,514,943-177,514,946); deleting any one gives the same sequence. VCF-style (leftmost placement, unchanged base first): chr5-177514942-GC-G. GRCh37 (hg19) VCF-style: chr5-176941943-GC-G.
Other names: c.393del, p.Tyr133fs (NM_001321732.2, NM_001321830.2); short protein forms Y133fs, Y259fs.
Identifiers: ClinVar variation 4759273 (VCV004759273.1).